The following is an entry in ClinVar:

NM_000238.4(KCNH2):c.2537C>T (p.Pro846Leu)

Gene: KCNH2 (potassium voltage-gated channel subfamily H member 2; minus strand). Cytogenetic location: 7q36.1.
Variant type: single nucleotide variant.
Coding change: c.2537C>T on transcript NM_000238.4 (MANE Select); coding-DNA position 2537, C replaced by T.
Protein change: p.Pro846Leu; replaces proline 846 with leucine.
Molecular consequence: missense variant.
Genome position (GRCh38, 1-based): chr7:150,948,911, G>A on the plus strand (C>T on the coding strand, the complement: KCNH2 is on the minus strand). VCF-style: chr7-150948911-G-A. GRCh37 (hg19) VCF-style: chr7-150645999-G-A.
Other names: c.1517C>T, p.Pro506Leu (NM_172057.3); short protein forms P506L, P846L.
Identifiers: ClinVar variation 405353 (VCV000405353.10), dbSNP rs1060500669, ClinGen allele CA16612301.

ClinVar aggregate classification (germline): Uncertain significance. Review status: criteria provided, multiple submitters, no conflicts (2 of 4 stars). 2 submissions from 2 submitters: Uncertain significance (2). Last evaluated 2026-01-27.

Conditions:
KCNH2-related disorder. Also called: KCNH2-related condition; KCNH2-related disorders.
Long QT syndrome (LQTS). Identifiers: MedGen C0023976, MeSH D008133, MONDO:0002442. Disease mechanism: loss of function. Inheritance: Various modes of inheritance.

Submissions (2):

3billion
Classification: Uncertain significance for KCNH2-related disorder. Last evaluated: 2026-01-27. Review status: criteria provided, single submitter. Criteria: ACMG Guidelines, 2015. Collection method: clinical testing. Allele origin: germline. Affected: yes.
Comment: The variant is not observed in the gnomAD v4.1.0 dataset. Predicted Consequence/Location: Missense variant In silico tool predictions suggest damaging effect of the variant on gene or gene product [REVEL: 0.94 (>=0.6, sensitivity 0.68 and specificity 0.92); 3Cnet: 1.00 (> 0.75, sensitivity 0.96 and precision 0.92)]. Different missense changes at the same codon (p.Pro846Ser, p.Pro846Thr) have been reported as pathogenic/likely pathogenic with strong evidence (ClinVar ID: VCV000067409 /PMID: 18441445, 19716085). Therefore, this variant is classified as VUS according to the recommendation of ACMG/AMP guideline.

Labcorp Genetics (formerly Invitae), Labcorp
Classification: Uncertain significance for Long QT syndrome. Last evaluated: 2017-10-04. Review status: criteria provided, single submitter. Criteria: Invitae Variant Classification Sherloc (09022015). Collection method: clinical testing. Allele origin: germline.
Comment: This sequence change replaces proline with leucine at codon 846 of the KCNH2 protein (p.Pro846Leu). The proline residue is highly conserved and there is a moderate physicochemical difference between proline and leucine. This variant is not present in population databases (ExAC no frequency). Algorithms developed to predict the effect of missense changes on protein structure and function do not agree on the potential impact of this missense change (SIFT: "Deleterious"; PolyPhen-2: "Probably Damaging"; Align-GVGD: "Class C0"). In summary, this variant is a novel missense change with uncertain impact on protein function. It has been classified as a Variant of Uncertain Significance. This variant has not been reported in the literature in individuals with a KCNH2-related disease.

Literature cited by the submitters: PubMed 18441445 (cited by 3billion).